The following is an entry in ClinVar:

NM_001114753.3(ENG):c.1029_1030delinsTC (p.Thr344Pro)

Gene: ENG (endoglin; minus strand). Cytogenetic location: 9q34.11.
Variant type: Indel.
Coding change: c.1029_1030delinsTC on transcript NM_001114753.3 (MANE Select); coding-DNA positions 1029 to 1030, CA replaced by TC.
Protein change: p.Thr344Pro; replaces threonine 344 with proline.
Molecular consequence: missense variant.
Genome position (GRCh38, 1-based): chr9:127,824,408-127,824,409, TG replaced by GA on the plus strand (CA replaced by TC on the coding strand, the reverse complement: ENG is on the minus strand). VCF-style: chr9-127824408-TG-GA. GRCh37 (hg19) VCF-style: chr9-130586687-TG-GA.
Other names: c.1029_1030delCAinsTC, p.Thr344Pro (NM_000118.4, NM_001406715.1); c.483_484delinsTC, p.Thr162Pro (NM_001278138.2); short protein forms T162P, T344P.
Identifiers: ClinVar variation 1063338 (VCV001063338.8), dbSNP rs2131885993, ClinGen allele CA2499219637.
Genomic context (GRCh38, chr9:127,824,408, plus strand): 5'-CACACTTTGTCTGGATCAAGGACATGAGCAGCTCCGGGCTACAAGTGTCCTTGGGAGGAG[TG>GA]GTCTGGATCGGTGCGGGTGAGGTCTGCAGCCTACCACCTGTGGGGTAGCAGAGGCAGGCC-3'
Protein context (NP_001108225.1, residues 334-354): LQTSPAPIQT[Thr344Pro]PPKDTCSPEL

ClinVar aggregate classification (germline): Uncertain significance (1 of 4 stars; one submission).

Conditions:
Hereditary hemorrhagic telangiectasia (HHT). Also called: Osler hemorrhagic telangiectasia syndrome; ORW DISEASE; Osler Weber Rendu syndrome; OSLER-RENDU-WEBER DISEASE. Identifiers: Orphanet 774, MedGen C0039445, MONDO:0019180. Disease mechanism: loss of function.

Submission:

Labcorp Genetics (formerly Invitae), Labcorp
Classification: Uncertain significance for Hereditary hemorrhagic telangiectasia. Last evaluated: 2024-12-02. Review status: criteria provided, single submitter. Criteria: Invitae Variant Classification Sherloc (09022015). Collection method: clinical testing. Allele origin: germline.
Comment: This sequence change replaces threonine, which is neutral and polar, with proline, which is neutral and non-polar, at codon 344 of the ENG protein (p.Thr344Pro). Information on the frequency of this variant in the gnomAD database is not available, as this variant may be reported differently in the database. This variant has not been reported in the literature in individuals affected with ENG-related conditions. ClinVar contains an entry for this variant (Variation ID: 1063338). Experimental studies and prediction algorithms are not available or were not evaluated, and the functional significance of this variant is currently unknown. In summary, the available evidence is currently insufficient to determine the role of this variant in disease. Therefore, it has been classified as a Variant of Uncertain Significance.